The following is an entry in ClinVar:

ClinVar aggregate classification (germline): Likely benign. Review status: criteria provided, multiple submitters, no conflicts (2 of 4 stars). 3 submissions from 3 submitters: Likely benign (2). 1 of the submissions does not count toward it. Last evaluated 2024-01-14.

Conditions:
ATP8B1-related disorder. Also called: ATP8B1-related condition; ATP8B1-related disorders.

Allele frequency attached by ClinVar (database versions not stated): gnomAD 0.00004 and 0.00005; TOPMed 0.00005; ExAC 0.00006; gnomAD exomes 0.00006; ESP Exome Variant Server 0.00008.
gnomAD v4.1: 114 of 1,611,822 alleles (0.0071%); highest among the groups gnomAD compares: Non-Finnish European, 0.0074%; 4 homozygotes.

Submissions (3):

Labcorp Genetics (formerly Invitae), Labcorp
Classification: Likely benign. Last evaluated: 2024-01-14. Review status: criteria provided, single submitter. Criteria: Invitae Variant Classification Sherloc (09022015). Collection method: clinical testing. Allele origin: germline.

GeneDx
Classification: Likely benign. Last evaluated: 2017-07-25. Review status: criteria provided, single submitter. Criteria: GeneDx Variant Classification (06012015). Collection method: clinical testing. Allele origin: germline. Affected: yes.
Comment: This variant is considered likely benign or benign based on one or more of the following criteria: it is a conservative change, it occurs at a poorly conserved position in the protein, it is predicted to be benign by multiple in silico algorithms, and/or has population frequency not consistent with disease.

PreventionGenetics, part of Exact Sciences
Classification: Likely benign for ATP8B1-related condition. Last evaluated: 2021-12-29. Review status: no assertion criteria provided. Collection method: clinical testing. Allele origin: germline. Not counted in ClinVar's aggregate classification.
Comment: This variant is classified as likely benign based on ACMG/AMP sequence variant interpretation guidelines (Richards et al. 2015 PMID: 25741868, with internal and published modifications).

NM_001374385.1(ATP8B1):c.771T>C (p.Ala257=)

Gene: ATP8B1 (ATPase phospholipid transporting 8B1; minus strand). Cytogenetic location: 18q21.31.
Variant type: single nucleotide variant.
Coding change: c.771T>C on transcript NM_001374385.1 (MANE Select); coding-DNA position 771, T replaced by C.
Protein change: p.Ala257=; no amino-acid change (alanine 257 retained).
Molecular consequence: synonymous variant.
Genome position (GRCh38, 1-based): chr18:57,695,460, A>G on the plus strand (T>C on the coding strand, the complement: ATP8B1 is on the minus strand). VCF-style: chr18-57695460-A-G. GRCh37 (hg19) VCF-style: chr18-55362692-A-G.
Other names: c.621T>C, p.Ala207= (NM_001374386.1); c.771T>C, p.Ala257= (NM_005603.6).
Identifiers: ClinVar variation 510739 (VCV000510739.7), dbSNP rs34221682, ClinGen allele CA8974730.